The following is an entry in ClinVar:

ClinVar aggregate classification (germline): Pathogenic (1 of 4 stars; one submission).

Conditions:
Hereditary cancer-predisposing syndrome. Also called: Neoplastic Syndromes, Hereditary; Tumor predisposition; Hereditary Cancer Syndrome; Hereditary neoplastic syndrome. Identifiers: Orphanet 140162, MedGen C0027672, MeSH D009386, MONDO:0015356.

Submission:

Ambry Genetics
Classification: Pathogenic for Hereditary cancer-predisposing syndrome. Last evaluated: 2022-08-04. Review status: criteria provided, single submitter. Criteria: Ambry Variant Classification Scheme 2023. Collection method: clinical testing. Allele origin: germline.
Comment: The c.2198_2199insC pathogenic mutation, located in coding exon 13 of the ATM gene, results from an insertion of one nucleotide at position 2198, causing a translational frameshift with a predicted alternate stop codon (p.V734Cfs*4). This alteration is expected to result in loss of function by premature protein truncation or nonsense-mediated mRNA decay. As such, this alteration is interpreted as a disease-causing mutation.

NM_000051.4(ATM):c.2198_2199insC (p.Val734fs)

Gene: ATM (ATM serine/threonine kinase; plus strand). Cytogenetic location: 11q22.3.
Variant type: Insertion.
Coding change: c.2198_2199insC on transcript NM_000051.4 (MANE Select); coding-DNA positions 2198 to 2199, C inserted.
Protein change: p.Val734fs; shifts the reading frame from valine 734.
Molecular consequence: frameshift variant.
Genome position: GRCh38 VCF-style: chr11-108256288-G-GC. GRCh37 (hg19) VCF-style: chr11-108127015-G-GC.
Other names: c.2198_2199insC, p.Val734fs (NM_001351834.2); short protein forms V734fs.
Identifiers: ClinVar variation 1787511 (VCV001787511.2), dbSNP rs2497359296, ClinGen allele CA2580083325.
Genomic context (GRCh38, chr11:108,256,288, plus strand): 5'-AAACTCTTGTCCGGTGTTCACGTCTTTTGGTGGGTGTCCTTGGCTGCTACTGTTACATGG[G>GC]TGTAATAGCTGAAGAGGAAGCATATAAGTCAGAATTATTCCAGAAAGCCAAGGTAGGAGA-3'